The following is an entry in ClinVar:

NM_032043.3(BRIP1):c.1492C>A (p.Leu498Ile)

Gene: BRIP1 (BRCA1 interacting DNA helicase 1; minus strand). Cytogenetic location: 17q23.2.
Variant type: single nucleotide variant.
Coding change: c.1492C>A on transcript NM_032043.3 (MANE Select); coding-DNA position 1492, C replaced by A.
Protein change: p.Leu498Ile; replaces leucine 498 with isoleucine.
Molecular consequence: missense variant.
Genome position (GRCh38, 1-based): chr17:61,784,406, G>T on the plus strand (C>A on the coding strand, the complement: BRIP1 is on the minus strand). VCF-style: chr17-61784406-G-T. GRCh37 (hg19) VCF-style: chr17-59861767-G-T.
Other names: short protein forms L498I.
Identifiers: ClinVar variation 819360 (VCV000819360.18), dbSNP rs1603337024, ClinGen allele CA400481447.
Genomic context (GRCh38, chr17:61,784,406, plus strand): 5'-CAGGTACTTCTCTTGCCTCCTCTTTACCATAAATTGGTGAGATTTTTTCCTCTTTTTGAA[G>T]AACAGCAGAAAAATGTCCCTATAAGAAATTACCATATTAAGTATAGAGGGGTTGGGAGGG-3'
Protein context (NP_114432.2, residues 488-508): PILQGHFSAV[Leu498Ile]QKEEKISPIY

ClinVar aggregate classification (germline): Uncertain significance. Review status: criteria provided, multiple submitters, no conflicts (2 of 4 stars). 2 submissions from 2 submitters: Uncertain significance (2). Last evaluated 2025-10-01.

Conditions:
Hereditary cancer-predisposing syndrome. Also called: Hereditary Cancer Syndrome; Neoplastic Syndromes, Hereditary; Hereditary neoplastic syndrome; Tumor predisposition. Identifiers: Orphanet 140162, MedGen C0027672, MeSH D009386, MONDO:0015356.
Familial cancer of breast. Also called: Hereditary breast cancer; hereditary breast carcinoma; BREAST CANCER, FAMILIAL. Identifiers: Orphanet 227535, MedGen C0346153, MONDO:0016419, OMIM 114480. Disease mechanism: loss of function.
Fanconi anemia complementation group J. Also called: BRIP1-Related Fanconi Anemia. Identifiers: Orphanet 84, MedGen C1836860, MONDO:0012187, OMIM 609054.

Submissions (2):

Labcorp Genetics (formerly Invitae), Labcorp
Classification: Uncertain significance for Familial cancer of breast; Fanconi anemia complementation group J. Last evaluated: 2025-10-01. Review status: criteria provided, single submitter. Criteria: Invitae Variant Classification Sherloc (09022015). Collection method: clinical testing. Allele origin: germline.
Comment: This sequence change replaces leucine, which is neutral and non-polar, with isoleucine, which is neutral and non-polar, at codon 498 of the BRIP1 protein (p.Leu498Ile). This variant is not present in population databases (gnomAD no frequency). This variant has not been reported in the literature in individuals affected with BRIP1-related conditions. ClinVar contains an entry for this variant (Variation ID: 819360). Invitae Evidence Modeling of protein sequence and biophysical properties (such as structural, functional, and spatial information, amino acid conservation, physicochemical variation, residue mobility, and thermodynamic stability) indicates that this missense variant is not expected to disrupt BRIP1 protein function with a negative predictive value of 95%. In summary, the available evidence is currently insufficient to determine the role of this variant in disease. Therefore, it has been classified as a Variant of Uncertain Significance.

Ambry Genetics
Classification: Uncertain significance for Hereditary cancer-predisposing syndrome. Last evaluated: 2023-06-05. Review status: criteria provided, single submitter. Criteria: Ambry Variant Classification Scheme 2023. Collection method: clinical testing. Allele origin: germline.
Comment: The p.L498I variant (also known as c.1492C>A), located in coding exon 10 of the BRIP1 gene, results from a C to A substitution at nucleotide position 1492. The leucine at codon 498 is replaced by isoleucine, an amino acid with highly similar properties. This amino acid position is highly conserved in available vertebrate species. In addition, this alteration is predicted to be tolerated by in silico analysis. Since supporting evidence is limited at this time, the clinical significance of this alteration remains unclear.